The following is an entry in ClinVar:

NM_001142966.3(GREB1L):c.3736A>C (p.Lys1246Gln)

Gene: GREB1L (GREB1 like retinoic acid receptor coactivator; plus strand). Cytogenetic location: 18q11.2.
Variant type: single nucleotide variant.
Coding change: c.3736A>C on transcript NM_001142966.3 (MANE Select); coding-DNA position 3736, A replaced by C.
Protein change: p.Lys1246Gln; replaces lysine 1246 with glutamine.
Molecular consequence: missense variant.
Genome position (GRCh38, 1-based): chr18:21,500,073, A>C. VCF-style: chr18-21500073-A-C. GRCh37 (hg19) VCF-style: chr18-19080034-A-C.
Other names: c.3865A>C, p.Lys1289Gln (NM_001410867.1); c.3409A>C, p.Lys1137Gln (NM_001410868.1); short protein forms K1137Q, K1246Q, K1289Q.
Identifiers: ClinVar variation 4978766 (VCV004978766.1).

ClinVar aggregate classification (germline): Uncertain significance (1 of 4 stars; one submission).

Conditions:
GREB1L-related disorder. Also called: GREB1L-related condition.

gnomAD v4.1: 1 of 1,551,624 alleles (0.000064%); highest among the groups gnomAD compares: Non-Finnish European, 0.000087%; no homozygotes.

Submission:

PreventionGenetics, part of Exact Sciences
Classification: Uncertain significance for GREB1L-related condition. Last evaluated: 2026-08-26. Review status: criteria provided, single submitter. Criteria: ACMG Guidelines, 2015. Collection method: clinical testing. Allele origin: germline.
Comment: The GREB1L c.3736A>C variant is predicted to result in the amino acid substitution p.Lys1246Gln. To our knowledge, this variant has not been reported in the literature or in a large population database (gnomAD), indicating this variant is rare. At this time, the clinical significance of this variant is uncertain due to the absence of conclusive functional and genetic evidence.